The following is an entry in ClinVar:

NM_001165963.4(SCN1A):c.2721C>T (p.Val907=)

Gene: SCN1A (sodium voltage-gated channel alpha subunit 1; minus strand). Cytogenetic location: 2q24.3.
Variant type: single nucleotide variant.
Coding change: c.2721C>T on transcript NM_001165963.4 (MANE Select); coding-DNA position 2721, C replaced by T.
Protein change: p.Val907=; no amino-acid change (valine 907 retained).
Molecular consequence: synonymous variant. On other transcripts: non-coding transcript variant (1).
Genome position (GRCh38, 1-based): chr2:166,038,001, G>A on the plus strand (C>T on the coding strand, the complement: SCN1A is on the minus strand). VCF-style: chr2-166038001-G-A. GRCh37 (hg19) VCF-style: chr2-166894511-G-A.
Other names: c.2637C>T, p.Val879= (NM_001165964.3, NM_001353957.2, NM_001353958.2); c.2721C>T, p.Val907= (NM_001202435.3, NM_001353948.2); c.2688C>T, p.Val896= (NM_001353949.2, NM_001353950.2, NM_001353951.2 and 2 more transcripts); c.2685C>T, p.Val895= (NM_001353954.2, NM_001353955.2); c.2634C>T, p.Val878= (NM_001353960.2); c.279C>T, p.Val93= (NM_001353961.2).
Identifiers: ClinVar variation 1087704 (VCV001087704.36), dbSNP rs748504238, ClinGen allele CA1943052.

ClinVar aggregate classification (germline): Likely benign. Review status: criteria provided, multiple submitters, no conflicts (2 of 4 stars). 2 submissions from 2 submitters: Likely benign (2). Last evaluated 2025-03-18.

Conditions:
Early-infantile DEE. Also called: Early infantile epileptic encephalopathy; Ohtahara syndrome; Early infantile epileptic encephalopathy with suppression bursts. Identifiers: Orphanet 1934, MedGen C0393706, MONDO:0800491.

Allele frequency attached by ClinVar (database versions not stated): ExAC 0.00001; gnomAD 0.00001; gnomAD exomes 0.00001 and 0.00002.
gnomAD v4.1: 31 of 1,614,050 alleles (0.0019%); highest among the groups gnomAD compares: Non-Finnish European, 0.0025%; no homozygotes.

Submissions (2):

Labcorp Genetics (formerly Invitae), Labcorp
Classification: Likely benign for Early-infantile DEE. Last evaluated: 2025-03-18. Review status: criteria provided, single submitter. Criteria: Invitae Variant Classification Sherloc (09022015). Collection method: clinical testing. Allele origin: germline.

CeGaT Center for Human Genetics Tuebingen
Classification: Likely benign. Last evaluated: 2023-06-01. Review status: criteria provided, single submitter. Criteria: CeGaT Center For Human Genetics Tuebingen Variant Classification Criteria Version 2. Collection method: clinical testing. Allele origin: germline. Affected: yes. Observed: 1 variant allele.
Comment: SCN1A: BP4, BP7